The following is an entry in ClinVar:

NM_031407.7(HUWE1):c.5986C>G (p.Arg1996Gly)

Gene: HUWE1 (HECT, UBA and WWE domain containing E3 ubiquitin protein ligase 1; minus strand). Cytogenetic location: Xp11.22.
Variant type: single nucleotide variant.
Coding change: c.5986C>G on transcript NM_031407.7 (MANE Select); coding-DNA position 5986, C replaced by G.
Protein change: p.Arg1996Gly; replaces arginine 1996 with glycine.
Molecular consequence: missense variant.
Genome position (GRCh38, 1-based): chrX:53,575,687, G>C on the plus strand (C>G on the coding strand, the complement: HUWE1 is on the minus strand). VCF-style: chrX-53575687-G-C. GRCh37 (hg19) VCF-style: chrX-53602647-G-C.
Other names: short protein forms R1996G.
Identifiers: ClinVar variation 4056777 (VCV004056777.1).
Genomic context (GRCh38, chrX:53,575,687, plus strand): 5'-GTTGGAATTGACTTACATTAATGGAAAAACCTGACTGCGTATCAAAGTCACTGCTCTGAC[G>C]CGTAAGTGACCGGTACTGCTGGTATACATCATCACCCATGTCTTGCAGGAGCTGGCCAAC-3'
Protein context (NP_113584.3, residues 1986-2006): DVYQQYRSLT[Arg1996Gly]QSSDFDTQSG

ClinVar aggregate classification (germline): Uncertain significance (1 of 4 stars; one submission).

Conditions:
Intellectual developmental disorder, X-linked, syndromic, Turner type. Also called: X-linked intellectual disability, Turner type; Intellectual disability, X-linked syndromic, Turner type. Identifiers: Orphanet 3056, Orphanet 85328, MedGen C2678046, MONDO:0010407, OMIM 309590.

Submission:

Laboratorio de Genetica e Diagnostico Molecular, Hospital Israelita Albert Einstein
Classification: Uncertain significance for Intellectual developmental disorder, X-linked, syndromic, Turner type. Last evaluated: 2023-05-25. Review status: criteria provided, single submitter. Criteria: ACMG Guidelines, 2015. Collection method: clinical testing. Allele origin: germline. Affected: yes.
Comment: ACMG classification criteria: PM2 moderate, PP2 supporting, BP4 supporting